The following is an entry in ClinVar:

NM_001035.3(RYR2):c.4367G>C (p.Gly1456Ala)

Gene: RYR2 (ryanodine receptor 2; plus strand). Cytogenetic location: 1q43.
Variant type: single nucleotide variant.
Coding change: c.4367G>C on transcript NM_001035.3 (MANE Select); coding-DNA position 4367, G replaced by C.
Protein change: p.Gly1456Ala; replaces glycine 1456 with alanine.
Molecular consequence: missense variant.
Genome position (GRCh38, 1-based): chr1:237,593,567, G>C. VCF-style: chr1-237593567-G-C. GRCh37 (hg19) VCF-style: chr1-237756867-G-C.
Other names: short protein forms G1456A.
Identifiers: ClinVar variation 4757572 (VCV004757572.1).

ClinVar aggregate classification (germline): Uncertain significance (1 of 4 stars; one submission).

Conditions:
Cardiomyopathy (CMYO). Also called: Cardiomyopathies. Identifiers: Orphanet 167848, MedGen C0878544, MONDO:0004994, HP:0001638. Inheritance: Various modes of inheritance.

Submission:

Color Diagnostics, LLC DBA Color Health
Classification: Uncertain significance for Cardiomyopathy. Last evaluated: 2025-06-30. Review status: criteria provided, single submitter. Criteria: ACMG Guidelines, 2015. Collection method: clinical testing. Allele origin: germline.
Comment: This missense variant replaces glycine with alanine at codon 1456 of the RYR2 protein. Computational prediction suggests that this variant may not impact protein structure and function. To our knowledge, functional studies have not been reported for this variant. This variant has not been reported in individuals affected with RYR2-related disorders in the literature. This variant has not been identified in the general population by the Genome Aggregation Database (gnomAD). The available evidence is insufficient to determine the role of this variant in disease conclusively. Therefore, this variant is classified as a Variant of Uncertain Significance.